The following is an entry in ClinVar:

ClinVar aggregate classification (germline): Uncertain significance (1 of 4 stars; one submission).

Submission:

Ambry Genetics
Classification: Uncertain significance. Last evaluated: 2026-07-28. Review status: criteria provided, single submitter. Criteria: Ambry Variant Classification Scheme 2023. Collection method: clinical testing. Allele origin: germline.
Comment: The p.T168S variant (also known as c.502A>T), located in coding exon 1 of the WNK2 gene, results from an A to T substitution at nucleotide position 502. The threonine at codon 168 is replaced by serine, an amino acid with similar properties. This amino acid position is conserved. In addition, this alteration is predicted to be tolerated by in silico analysis. Based on the available evidence, the clinical significance of this variant remains unclear.

NM_006648.4(WNK2):c.502A>T (p.Thr168Ser)

Gene: WNK2 (WNK lysine deficient protein kinase 2; plus strand). Cytogenetic location: 9q22.31.
Variant type: single nucleotide variant.
Coding change: c.502A>T on transcript NM_006648.4 (MANE Select); coding-DNA position 502, A replaced by T.
Protein change: p.Thr168Ser; replaces threonine 168 with serine.
Molecular consequence: missense variant.
Genome position (GRCh38, 1-based): chr9:93,185,431, A>T. VCF-style: chr9-93185431-A-T. GRCh37 (hg19) VCF-style: chr9-95947713-A-T.
Other names: c.502A>T, p.Thr168Ser (NM_001282394.3); short protein forms T168S.
Identifiers: ClinVar variation 5031890 (VCV005031890.1).
Genomic context (GRCh38, chr9:93,185,431, plus strand): 5'-GCGGCGACCGTGAGGAAGGAGGATGAGGGGGCGGCCGAGGCGAAGCCTGAGCCCGGGCGC[A>T]CTCGCCGGGACGAGCCCGAAGAGGAGGAGGACGACGAGGACGACCTCAAGGCCGTGGCCA-3'
Protein context (NP_006639.3, residues 158-178): AAEAKPEPGR[Thr168Ser]RRDEPEEEED